The following is an entry in ClinVar:

NM_002519.3(NPAT):c.1489G>C (p.Glu497Gln)

Gene: NPAT (nuclear protein, coactivator of histone transcription; minus strand). Cytogenetic location: 11q22.3.
Variant type: single nucleotide variant.
Coding change: c.1489G>C on transcript NM_002519.3 (MANE Select); coding-DNA position 1489, G replaced by C.
Protein change: p.Glu497Gln; replaces glutamic acid 497 with glutamine.
Molecular consequence: missense variant.
Genome position (GRCh38, 1-based): chr11:108,173,495, C>G on the plus strand (G>C on the coding strand, the complement: NPAT is on the minus strand). VCF-style: chr11-108173495-C-G. GRCh37 (hg19) VCF-style: chr11-108044222-C-G.
Other names: c.1489G>C, p.Glu497Gln (NM_001321307.1); short protein forms E497Q.
Identifiers: ClinVar variation 2453747 (VCV002453747.2), dbSNP rs2496721090, ClinGen allele CA382515057.

ClinVar aggregate classification (germline): Uncertain significance (1 of 4 stars; one submission).

Submission:

Ambry Genetics
Classification: Uncertain significance. Last evaluated: 2022-12-01. Review status: criteria provided, single submitter. Criteria: Ambry Variant Classification Scheme 2023. Collection method: clinical testing. Allele origin: germline.
Comment: The p.E497Q variant (also known as c.1489G>C), located in coding exon 13 of the NPAT gene, results from a G to C substitution at nucleotide position 1489. The glutamic acid at codon 497 is replaced by glutamine, an amino acid with highly similar properties. This amino acid position is conserved. In addition, this alteration is predicted to be tolerated by in silico analysis. Since supporting evidence is limited at this time, the clinical significance of this alteration remains unclear.